The following is an entry in ClinVar:

ClinVar aggregate classification (germline): Uncertain significance (1 of 4 stars; one submission).

Submission:

GeneDx
Classification: Uncertain significance. Last evaluated: 2026-04-13. Review status: criteria provided, single submitter. Criteria: GeneDx Variant Classification Process June 2021. Collection method: clinical testing. Allele origin: germline.
Comment: Not observed at significant frequency in large population cohorts (gnomAD); In silico analysis suggests that this variant does not alter splicing; Located in a regulatory region; in the absence of functional studies, the actual effect of this sequence change is unknown; Has not been previously published as pathogenic or benign to our knowledge

NC_000006.12:g.159778179G>C

Genes: ACAT2 (acetyl-CoA acetyltransferase 2; plus strand), TCP1 (t-complex 1; minus strand). Cytogenetic location: 6q25.3.
Variant type: single nucleotide variant.
Molecular consequence: missense variant (on NM_005891.3).
Genome position: GRCh38 VCF-style: chr6-159778179-G-C. GRCh37 (hg19) VCF-style: chr6-160199211-G-C.
Other names: c.1009G>C, p.Ala337Pro (NM_001303253.1); c.922G>C, p.Ala308Pro (NM_005891.3); short protein forms A308P, A337P.
Identifiers: ClinVar variation 5037117 (VCV005037117.1).